The following is an entry in ClinVar:

NM_000424.4(KRT5):c.663G>A (p.Gln221=)

Genes: KRT5 (keratin 5; minus strand), LOC126861526 (BRD4-independent group 4 enhancer GRCh37_chr12:52912066-52913265; plus strand). Cytogenetic location: 12q13.13.
Variant type: single nucleotide variant.
Coding change: c.663G>A on transcript NM_000424.4 (MANE Select); coding-DNA position 663, G replaced by A.
Protein change: p.Gln221=; no amino-acid change (glutamine 221 retained).
Molecular consequence: synonymous variant.
Genome position (GRCh38, 1-based): chr12:52,519,053, C>T on the plus strand (G>A on the coding strand, the complement: KRT5 is on the minus strand). VCF-style: chr12-52519053-C-T. GRCh37 (hg19) VCF-style: chr12-52912837-C-T.
Identifiers: ClinVar variation 3351327 (VCV003351327.1).

ClinVar aggregate classification (germline): Likely benign (0 of 4 stars; one submission).

Conditions:
KRT5-related disorder. Also called: KRT5-related condition.

gnomAD v4.1: 40 of 1,614,116 alleles (0.0025%); highest among the groups gnomAD compares: Non-Finnish European, 0.0032%; no homozygotes.

Submission:

PreventionGenetics, part of Exact Sciences
Classification: Likely benign for KRT5-related condition. Last evaluated: 2023-12-27. Review status: no assertion criteria provided. Collection method: clinical testing. Allele origin: germline.
Comment: This variant is classified as likely benign based on ACMG/AMP sequence variant interpretation guidelines (Richards et al. 2015 PMID: 25741868, with internal and published modifications).